The following is an entry in ClinVar:

ClinVar aggregate classification (germline): Uncertain significance (1 of 4 stars; one submission).

gnomAD v4.1: 3 of 1,614,138 alleles (0.00019%); highest among the groups gnomAD compares: East Asian, 0.0022%; no homozygotes.

Submission:

Labcorp Genetics (formerly Invitae), Labcorp
Classification: Uncertain significance. Last evaluated: 2022-07-26. Review status: criteria provided, single submitter. Criteria: Invitae Variant Classification Sherloc (09022015). Collection method: clinical testing. Allele origin: germline.
Comment: In summary, the available evidence is currently insufficient to determine the role of this variant in disease. Therefore, it has been classified as a Variant of Uncertain Significance. Algorithms developed to predict the effect of missense changes on protein structure and function are either unavailable or do not agree on the potential impact of this missense change (SIFT: "Deleterious"; PolyPhen-2: "Possibly Damaging"; Align-GVGD: "Class C0"). This variant has not been reported in the literature in individuals affected with NDUFAF1-related conditions. This variant is present in population databases (no rsID available, gnomAD 0.006%). This sequence change replaces aspartic acid, which is acidic and polar, with histidine, which is basic and polar, at codon 70 of the NDUFAF1 protein (p.Asp70His).

NM_016013.4(NDUFAF1):c.208G>C (p.Asp70His)

Gene: NDUFAF1 (NADH:ubiquinone oxidoreductase complex assembly factor 1; minus strand). Cytogenetic location: 15q15.1.
Variant type: single nucleotide variant.
Coding change: c.208G>C on transcript NM_016013.4 (MANE Select); coding-DNA position 208, G replaced by C.
Protein change: p.Asp70His; replaces aspartic acid 70 with histidine.
Molecular consequence: missense variant. On other transcripts: non-coding transcript variant (1).
Genome position (GRCh38, 1-based): chr15:41,396,852, C>G on the plus strand (G>C on the coding strand, the complement: NDUFAF1 is on the minus strand). VCF-style: chr15-41396852-C-G. GRCh37 (hg19) VCF-style: chr15-41689050-C-G.
Other names: short protein forms D70H.
Identifiers: ClinVar variation 1713824 (VCV001713824.5), dbSNP rs1257782096, ClinGen allele CA391810561.